The following is an entry in ClinVar:

NM_003718.5(CDK13):c.3373C>T (p.Gln1125Ter)

Gene: CDK13 (cyclin dependent kinase 13; plus strand). Cytogenetic location: 7p14.1.
Variant type: single nucleotide variant.
Coding change: c.3373C>T on transcript NM_003718.5 (MANE Select); coding-DNA position 3373, C replaced by T.
Protein change: p.Gln1125Ter; replaces glutamine 1125 with a stop codon.
Molecular consequence: nonsense. On other transcripts: intron variant (1).
Genome position (GRCh38, 1-based): chr7:40,092,922, C>T. VCF-style: chr7-40092922-C-T. GRCh37 (hg19) VCF-style: chr7-40132521-C-T.
Other names: c.3236-43C>T (NM_031267.3); short protein forms Q1125*.
Identifiers: ClinVar variation 4994593 (VCV004994593.1).

ClinVar aggregate classification (germline): Likely pathogenic (1 of 4 stars; one submission).

Conditions:
CDK13-related disorder. Also called: CDK13-related condition. Identifiers: MedGen C5816700.

Submission:

PreventionGenetics, part of Exact Sciences
Classification: Likely pathogenic for CDK13-related condition. Last evaluated: 2026-08-22. Review status: criteria provided, single submitter. Criteria: ACMG Guidelines, 2015. Collection method: clinical testing. Allele origin: germline.
Comment: The CDK13 c.3373C>T variant is predicted to result in premature protein termination (p.Gln1125*). To our knowledge, this variant has not been reported in the literature or in a large population database (gnomAD), indicating this variant is rare. Nonsense variants in CDK13 are expected to be pathogenic. This variant is interpreted as likely pathogenic.